The following is an entry in ClinVar:

ClinVar aggregate classification (germline): Uncertain significance. Review status: criteria provided, multiple submitters, no conflicts (2 of 4 stars). 5 submissions from 5 submitters: Uncertain significance (5). Last evaluated 2026-05-12.

Conditions:
MLH3-related disorder. Also called: MLH3-related condition.
Colorectal cancer. Also called: Colorectal cancer, somatic; Malignant Colorectal Neoplasm. Identifiers: MedGen C0346629, MONDO:0005575, OMIM 114500.
Colorectal cancer, hereditary nonpolyposis, type 7. Identifiers: Orphanet 144, MedGen C1858380, MONDO:0013725, OMIM 614385.
Endometrial carcinoma. Also called: Endometrial carcinoma, somatic. Identifiers: MedGen C0476089, MONDO:0002447, OMIM 608089, HP:0012114.

Allele frequency attached by ClinVar (database versions not stated): gnomAD exomes below 0.00001 and 0.00001; TOPMed below 0.00001; ESP Exome Variant Server 0.00008.
gnomAD v4.1: 10 of 1,614,070 alleles (0.00062%); highest among the groups gnomAD compares: Non-Finnish European, 0.00085%; no homozygotes.

Submissions (5):

PreventionGenetics, part of Exact Sciences
Classification: Uncertain significance for MLH3-related condition. Last evaluated: 2026-05-12. Review status: criteria provided, single submitter. Criteria: ACMG Guidelines, 2015. Collection method: clinical testing. Allele origin: germline.
Comment: The MLH3 c.880C>G variant is predicted to result in the amino acid substitution p.Leu294Val. This variant has been reported in an individual with familial colorectal cancer (Supplementary Table 1, Raskin et al. 2017. PubMed ID: 29212164). This variant is reported in 0.00088% of alleles in individuals of European (Non-Finnish) descent in gnomAD and has an interpretation of uncertain significance in ClinVar (Variation ID: 847205). At this time, the clinical significance of this variant is uncertain due to the absence of conclusive functional and genetic evidence.

Center for Genomic Medicine, Rigshospitalet, Copenhagen University Hospital
Classification: Uncertain significance. Last evaluated: 2025-12-29. Review status: criteria provided, single submitter. Criteria: ACMG Guidelines, 2015. Collection method: clinical testing. Allele origin: germline.

Ambry Genetics
Classification: Uncertain significance. Last evaluated: 2025-09-17. Review status: criteria provided, single submitter. Criteria: Ambry Variant Classification Scheme 2023. Collection method: clinical testing. Allele origin: germline.
Comment: The p.L294V variant (also known as c.880C>G), located in coding exon 1 of the MLH3 gene, results from a C to G substitution at nucleotide position 880. The leucine at codon 294 is replaced by valine, an amino acid with highly similar properties. In one study, this variant was not detected in a cohort of 1046 familial colorectal cancer cases and in 1/1006 control subjects (Raskin L et al. Oncotarget, 2017 Nov;8:93450-93463). This amino acid position is poorly conserved in available vertebrate species. In addition, this alteration is predicted to be tolerated by in silico analysis. Since supporting evidence is limited at this time, the clinical significance of this alteration remains unclear.

Labcorp Genetics (formerly Invitae), Labcorp
Classification: Uncertain significance for Colorectal cancer, hereditary nonpolyposis, type 7. Last evaluated: 2024-08-05. Review status: criteria provided, single submitter. Criteria: Invitae Variant Classification Sherloc (09022015). Collection method: clinical testing. Allele origin: germline.
Comment: This sequence change replaces leucine, which is neutral and non-polar, with valine, which is neutral and non-polar, at codon 294 of the MLH3 protein (p.Leu294Val). This variant is present in population databases (rs372192067, gnomAD 0.0009%). This variant has not been reported in the literature in individuals affected with MLH3-related conditions. ClinVar contains an entry for this variant (Variation ID: 847205). An algorithm developed to predict the effect of missense changes on protein structure and function (PolyPhen-2) suggests that this variant is likely to be tolerated. In summary, the available evidence is currently insufficient to determine the role of this variant in disease. Therefore, it has been classified as a Variant of Uncertain Significance.

Department of Pathology and Laboratory Medicine, Sinai Health System
Classification: Uncertain significance for Colorectal cancer; Endometrial carcinoma; Colorectal cancer, hereditary nonpolyposis, type 7. Last evaluated: 2023-04-05. Review status: criteria provided, single submitter. Criteria: ACMG Guidelines, 2015. Collection method: clinical testing. Allele origin: germline. Affected: yes.

Literature cited by the submitters: PubMed 29212164 (cited by Center for Genomic Medicine, Rigshospitalet, Copenhagen University Hospital and Ambry Genetics).

NM_001040108.2(MLH3):c.880C>G (p.Leu294Val)

Gene: MLH3 (mutL homolog 3; minus strand). Cytogenetic location: 14q24.3.
Variant type: single nucleotide variant.
Coding change: c.880C>G on transcript NM_001040108.2 (MANE Select); coding-DNA position 880, C replaced by G.
Protein change: p.Leu294Val; replaces leucine 294 with valine.
Molecular consequence: missense variant.
Genome position (GRCh38, 1-based): chr14:75,048,776, G>C on the plus strand (C>G on the coding strand, the complement: MLH3 is on the minus strand). VCF-style: chr14-75048776-G-C. GRCh37 (hg19) VCF-style: chr14-75515479-G-C.
Other names: c.880C>G, p.Leu294Val (NM_014381.3); short protein forms L294V.
Identifiers: ClinVar variation 847205 (VCV000847205.16), dbSNP rs372192067, ClinGen allele CA263653407.
Genomic context (GRCh38, chr14:75,048,776, plus strand): 5'-ATTGGCACTGCACATTAATTACATATATGCCATAGAGTTCTGGGGTAGACCGGTGCCGAA[G>C]ACTTGAATTCATTTGCCTACTGGTGGGACCATTCTTTGGCTTGCATATAATACTTTCTTT-3'
Protein context (NP_001035197.1, residues 284-304): GPTSRQMNSS[Leu294Val]RHRSTPELYG